The following is an entry in ClinVar:

NM_001377.3(DYNC2H1):c.8095C>T (p.Gln2699Ter)

Gene: DYNC2H1 (dynein cytoplasmic 2 heavy chain 1; plus strand). Cytogenetic location: 11q22.3.
Variant type: single nucleotide variant.
Coding change: c.8095C>T on transcript NM_001377.3 (MANE Select); coding-DNA position 8095, C replaced by T.
Protein change: p.Gln2699Ter; replaces glutamine 2699 with a stop codon.
Molecular consequence: nonsense.
Genome position (GRCh38, 1-based): chr11:103,200,052, C>T. VCF-style: chr11-103200052-C-T. GRCh37 (hg19) VCF-style: chr11-103070781-C-T.
Other names: c.8095C>T, p.Gln2699Ter (NM_001080463.2); short protein forms Q2699*.
Identifiers: ClinVar variation 5015540 (VCV005015540.1).

ClinVar aggregate classification (germline): Pathogenic (1 of 4 stars; one submission).

Conditions:
Asphyxiating thoracic dystrophy 3. Also called: SHORT-RIB THORACIC DYSPLASIA 3 WITH OR WITHOUT POLYDACTYLY; POLYDACTYLY WITH NEONATAL CHONDRODYSTROPHY, TYPE I; SHORT-RIB THORACIC DYSPLASIA 3/6 WITH POLYDACTYLY, DIGENIC; Short rib polydactyly syndrome 2B; Saldino-Noonan Syndrome. Identifiers: Orphanet 474, Orphanet 93269, Orphanet 93270, Orphanet 93271, MedGen C0036069, MONDO:0013127, OMIM 613091.

Submission:

Myriad Genetics, Inc.
Classification: Pathogenic for Asphyxiating thoracic dystrophy 3. Last evaluated: 2026-02-11. Review status: criteria provided, single submitter. Criteria: Myriad Autosomal Dominant, Autosomal Recessive and X-Linked Classification Criteria (2023). Collection method: clinical testing. Allele origin: unknown.
Comment: NM_001377.2(DYNC2H1):c.8095C>T(Q2699*) is expected to be pathogenic in the context of DYNC2H1-related disorders. This variant is predicted to lead to an abnormal or absent protein product due to the creation of a premature termination codon in DYNC2H1, a gene where loss-of-function variants are known to be pathogenic. Please note: this variant was assessed in the context of healthy population screening.